The following is an entry in ClinVar:

ClinVar aggregate classification (germline): Conflicting classifications of pathogenicity. Review status: criteria provided, conflicting classifications (1 of 4 stars). 3 submissions from 3 submitters: Uncertain significance (1); Likely benign (2). Last evaluated 2024-03-21.

Conditions:
Hereditary breast ovarian cancer syndrome. Also called: Hereditary breast and ovarian cancer syndrome (HBOC); Hereditary breast and ovarian cancer syndrome; BRCA1- and BRCA2-Associated Hereditary Breast and Ovarian Cancer; Hereditary breast and/or ovarian cancer syndrome; Hereditary breast and ovarian cancer; Breast and ovarian cancer. Identifiers: Orphanet 145, MedGen C0677776, MeSH D061325, MONDO:0003582. Disease mechanism: loss of function.
Hereditary cancer-predisposing syndrome. Also called: Hereditary Cancer Syndrome; Neoplastic Syndromes, Hereditary; Tumor predisposition; Hereditary neoplastic syndrome. Identifiers: Orphanet 140162, MedGen C0027672, MeSH D009386, MONDO:0015356.

Allele frequency attached by ClinVar (database versions not stated): gnomAD exomes below 0.00001.
gnomAD v4.1: 2 of 1,608,424 alleles (0.00012%); highest among the groups gnomAD compares: Admixed American, 0.0034%; no homozygotes.

Submissions (3):

Ambry Genetics
Classification: Likely benign for Hereditary cancer-predisposing syndrome. Last evaluated: 2024-03-21. Review status: criteria provided, single submitter. Criteria: Ambry Variant Classification Scheme 2023. Collection method: clinical testing. Allele origin: germline.

Labcorp Genetics (formerly Invitae), Labcorp
Classification: Likely benign for Hereditary breast ovarian cancer syndrome. Last evaluated: 2023-04-11. Review status: criteria provided, single submitter. Criteria: Invitae Variant Classification Sherloc (09022015). Collection method: clinical testing. Allele origin: germline.

GeneDx
Classification: Uncertain significance. Last evaluated: 2022-12-09. Review status: criteria provided, single submitter. Criteria: GeneDx Variant Classification Process June 2021. Collection method: clinical testing. Allele origin: germline. Affected: yes.
Comment: Not observed at significant frequency in large population cohorts (gnomAD); In silico analysis supports that this variant does not alter splicing; Has not been previously published as pathogenic or benign to our knowledge; Also known as 6849A>G

NM_000059.4(BRCA2):c.6621A>G (p.Thr2207=)

Gene: BRCA2 (BRCA2 DNA repair associated; plus strand). Cytogenetic location: 13q13.1.
Variant type: single nucleotide variant.
Coding change: c.6621A>G on transcript NM_000059.4 (MANE Select); coding-DNA position 6621, A replaced by G.
Protein change: p.Thr2207=; no amino-acid change (threonine 2207 retained).
Molecular consequence: synonymous variant.
Genome position (GRCh38, 1-based): chr13:32,340,976, A>G. VCF-style: chr13-32340976-A-G. GRCh37 (hg19) VCF-style: chr13-32915113-A-G.
Other names: c.6621A>G (NM_000059.3).
Identifiers: ClinVar variation 1083332 (VCV001083332.13), dbSNP rs1433893010, ClinGen allele CA483439312.